The following is an entry in ClinVar:

ClinVar aggregate classification (germline): Uncertain significance (1 of 4 stars; one submission).

Allele frequency attached by ClinVar (database versions not stated): ExAC 0.00002; gnomAD exomes 0.00002; TOPMed 0.00002; gnomAD 0.00003.

Submission:

Labcorp Genetics (formerly Invitae), Labcorp
Classification: Uncertain significance. Last evaluated: 2024-10-15. Review status: criteria provided, single submitter. Criteria: Invitae Variant Classification Sherloc (09022015). Collection method: clinical testing. Allele origin: germline.
Comment: This sequence change disrupts the translational stop signal of the MGP mRNA. It is expected to extend the length of the MGP protein by 2 additional amino acid residues. The frequency data for this variant in the population databases is considered unreliable, as metrics indicate poor data quality at this position in the gnomAD database. This variant has not been reported in the literature in individuals affected with MGP-related conditions. ClinVar contains an entry for this variant (Variation ID: 2171030). In summary, the available evidence is currently insufficient to determine the role of this variant in disease. Therefore, it has been classified as a Variant of Uncertain Significance.

NM_000900.5(MGP):c.310T>C (p.Ter104Arg)

Gene: MGP (matrix Gla protein; minus strand). Cytogenetic location: 12p12.3.
Variant type: single nucleotide variant.
Coding change: c.310T>C on transcript NM_000900.5 (MANE Select); coding-DNA position 310, T replaced by C.
Protein change: p.Ter104Arg.
Molecular consequence: stop lost.
Genome position (GRCh38, 1-based): chr12:14,882,141, A>G on the plus strand (T>C on the coding strand, the complement: MGP is on the minus strand). VCF-style: chr12-14882141-A-G. GRCh37 (hg19) VCF-style: chr12-15035075-A-G.
Other names: c.385T>C, p.Ter129Arg (NM_001190839.3).
Identifiers: ClinVar variation 2171030 (VCV002171030.4), dbSNP rs779604287, ClinGen allele CA6465114.